The following is an entry in ClinVar:

NM_138370.3(PKDCC):c.331G>A (p.Gly111Ser)

Gene: PKDCC (protein kinase domain containing, cytoplasmic; plus strand). Cytogenetic location: 2p21.
Variant type: single nucleotide variant.
Coding change: c.331G>A on transcript NM_138370.3 (MANE Select); coding-DNA position 331, G replaced by A.
Protein change: p.Gly111Ser; replaces glycine 111 with serine.
Molecular consequence: missense variant.
Genome position (GRCh38, 1-based): chr2:42,048,530, G>A. VCF-style: chr2-42048530-G-A. GRCh37 (hg19) VCF-style: chr2-42275670-G-A.
Other names: short protein forms G111S.
Identifiers: ClinVar variation 1363862 (VCV001363862.9), dbSNP rs543645793, ClinGen allele CA46353989.

ClinVar aggregate classification (germline): Uncertain significance. Review status: criteria provided, multiple submitters, no conflicts (2 of 4 stars). 2 submissions from 2 submitters: Uncertain significance (2). Last evaluated 2022-08-23.

Allele frequency attached by ClinVar (database versions not stated): gnomAD exomes 0.00001; gnomAD 0.00002; 1000 Genomes Project 0.00020; 1000 Genomes Project 30x 0.00047.
gnomAD v4.1: 12 of 1,223,210 alleles (0.00098%); highest among the groups gnomAD compares: South Asian, 0.036%; no homozygotes.

Submissions (2):

Labcorp Genetics (formerly Invitae), Labcorp
Classification: Uncertain significance. Last evaluated: 2022-08-23. Review status: criteria provided, single submitter. Criteria: Invitae Variant Classification Sherloc (09022015). Collection method: clinical testing. Allele origin: germline.
Comment: The frequency data for this variant in the population databases is considered unreliable, as metrics indicate insufficient coverage at this position in the gnomAD database. In summary, the available evidence is currently insufficient to determine the role of this variant in disease. Therefore, it has been classified as a Variant of Uncertain Significance. Algorithms developed to predict the effect of sequence changes on RNA splicing suggest that this variant may create or strengthen a splice site. Algorithms developed to predict the effect of missense changes on protein structure and function are either unavailable or do not agree on the potential impact of this missense change (SIFT: "Deleterious"; PolyPhen-2: "Benign"; Align-GVGD: "Class C0"). ClinVar contains an entry for this variant (Variation ID: 1363862). This variant has not been reported in the literature in individuals affected with PKDCC-related conditions. This sequence change replaces glycine, which is neutral and non-polar, with serine, which is neutral and polar, at codon 111 of the PKDCC protein (p.Gly111Ser).

Breakthrough Genomics
Classification: Uncertain significance. Review status: criteria provided, single submitter. Criteria: ACMG Guidelines, 2015. Collection method: not provided. Allele origin: germline. Inheritance: Autosomal recessive inheritance. Affected: yes.